The following is an entry in ClinVar:

NM_000482.4(APOA4):c.545A>G (p.His182Arg)

Gene: APOA4 (apolipoprotein A4; minus strand). Cytogenetic location: 11q23.3.
Variant type: single nucleotide variant.
Coding change: c.545A>G on transcript NM_000482.4 (MANE Select); coding-DNA position 545, A replaced by G.
Protein change: p.His182Arg; replaces histidine 182 with arginine.
Molecular consequence: missense variant.
Genome position (GRCh38, 1-based): chr11:116,821,513, T>C on the plus strand (A>G on the coding strand, the complement: APOA4 is on the minus strand). VCF-style: chr11-116821513-T-C. GRCh37 (hg19) VCF-style: chr11-116692229-T-C.
Other names: short protein forms H182R.
Identifiers: ClinVar variation 4691052 (VCV004691052.1).

ClinVar aggregate classification (germline): Uncertain significance (1 of 4 stars; one submission).

Submission:

Labcorp Genetics (formerly Invitae), Labcorp
Classification: Uncertain significance. Last evaluated: 2025-05-11. Review status: criteria provided, single submitter. Criteria: Invitae Variant Classification Sherloc (09022015). Collection method: clinical testing. Allele origin: germline.
Comment: This sequence change replaces histidine, which is basic and polar, with arginine, which is basic and polar, at codon 182 of the APOA4 protein (p.His182Arg). This variant is not present in population databases (gnomAD no frequency). This variant has not been reported in the literature in individuals affected with APOA4-related conditions. An algorithm developed to predict the effect of missense changes on protein structure and function (PolyPhen-2) suggests that this variant is likely to be tolerated. In summary, the available evidence is currently insufficient to determine the role of this variant in disease. Therefore, it has been classified as a Variant of Uncertain Significance.